The following is an entry in ClinVar:

NM_002474.3(MYH11):c.5641C>A (p.Gln1881Lys)

Genes: MYH11 (myosin heavy chain 11; minus strand), NDE1 (nudE neurodevelopment protein 1; plus strand). Cytogenetic location: 16p13.11.
Variant type: single nucleotide variant.
Coding change: c.5641C>A on transcript NM_002474.3 (MANE Select); coding-DNA position 5641, C replaced by A.
Protein change: p.Gln1881Lys; replaces glutamine 1881 with lysine.
Molecular consequence: missense variant. On other transcripts: intron variant (2).
Genome position (GRCh38, 1-based): chr16:15,715,054, G>T on the plus strand (C>A on the coding strand, the complement: MYH11 is on the minus strand). VCF-style: chr16-15715054-G-T. GRCh37 (hg19) VCF-style: chr16-15808911-G-T.
Other names: c.5662C>A, p.Gln1888Lys (NM_001040113.2, NM_001040114.2); c.5641C>A, p.Gln1881Lys (NM_022844.3); c.948-9137G>T (NM_001143979.2, NM_017668.3); short protein forms Q1881K, Q1888K.
Identifiers: ClinVar variation 1383887 (VCV001383887.6), dbSNP rs745941067, ClinGen allele CA7921176.

ClinVar aggregate classification (germline): Uncertain significance. Review status: criteria provided, multiple submitters, no conflicts (2 of 4 stars). 3 submissions from 3 submitters: Uncertain significance (3). Last evaluated 2025-01-21.

Conditions:
Familial thoracic aortic aneurysm and aortic dissection (TAAD). Also called: Thoracic aortic aneurysms and dissections. Identifiers: Orphanet 91387, MedGen C4707243, MONDO:0019625.
Aortic aneurysm, familial thoracic 4 (AAT4). Also called: AORTIC ANEURYSM/AORTIC DISSECTION AND PATENT DUCTUS ARTERIOSUS. Identifiers: MedGen C1851504, MONDO:0007568, OMIM 132900.

Allele frequency attached by ClinVar (database versions not stated): gnomAD 0.00001; gnomAD exomes 0.00001; TOPMed 0.00001; ExAC 0.00002.
gnomAD v4.1: 9 of 1,613,362 alleles (0.00056%); highest among the groups gnomAD compares: Non-Finnish European, 0.00076%; no homozygotes.

Submissions (3):

Labcorp Genetics (formerly Invitae), Labcorp
Classification: Uncertain significance for Aortic aneurysm, familial thoracic 4. Last evaluated: 2025-01-21. Review status: criteria provided, single submitter. Criteria: Invitae Variant Classification Sherloc (09022015). Collection method: clinical testing. Allele origin: germline.
Comment: This sequence change replaces glutamine, which is neutral and polar, with lysine, which is basic and polar, at codon 1888 of the MYH11 protein (p.Gln1888Lys). This variant is present in population databases (rs745941067, gnomAD 0.002%). This variant has not been reported in the literature in individuals affected with MYH11-related conditions. ClinVar contains an entry for this variant (Variation ID: 1383887). Invitae Evidence Modeling of protein sequence and biophysical properties (such as structural, functional, and spatial information, amino acid conservation, physicochemical variation, residue mobility, and thermodynamic stability) indicates that this missense variant is not expected to disrupt MYH11 protein function with a negative predictive value of 95%. In summary, the available evidence is currently insufficient to determine the role of this variant in disease. Therefore, it has been classified as a Variant of Uncertain Significance.

Ambry Genetics
Classification: Uncertain significance for Familial thoracic aortic aneurysm and aortic dissection. Last evaluated: 2024-04-19. Review status: criteria provided, single submitter. Criteria: Ambry Variant Classification Scheme 2023. Collection method: clinical testing. Allele origin: germline.
Comment: The p.Q1881K variant (also known as c.5641C>A), located in coding exon 39 of the MYH11 gene, results from a C to A substitution at nucleotide position 5641. The glutamine at codon 1881 is replaced by lysine, an amino acid with similar properties. This amino acid position is conserved. In addition, the in silico prediction for this alteration is inconclusive. Based on the available evidence, the clinical significance of this variant remains unclear.

Color Diagnostics, LLC DBA Color Health
Classification: Uncertain significance for Familial thoracic aortic aneurysm and aortic dissection. Last evaluated: 2024-03-19. Review status: criteria provided, single submitter. Criteria: ACMG Guidelines, 2015. Collection method: clinical testing. Allele origin: germline.
Comment: This missense variant replaces glutamine with lysine at codon 1888 of the MYH11 protein. Computational prediction is inconclusive regarding the impact of this variant on protein structure and function. To our knowledge, functional studies have not been reported for this variant. This variant has not been reported in individuals affected with MYH11-related disorders in the literature. This variant has been identified in 2/250980 chromosomes in the general population by the Genome Aggregation Database (gnomAD). The available evidence is insufficient to determine the role of this variant in disease conclusively. Therefore, this variant is classified as a Variant of Uncertain Significance.